The following is an entry in ClinVar:

NM_001267550.2(TTN):c.6851G>C (p.Gly2284Ala)

Genes: TTN (titin; minus strand), LOC126806433 (BRD4-independent group 4 enhancer GRCh37_chr2:179638309-179639508; plus strand). Cytogenetic location: 2q31.2.
Variant type: single nucleotide variant.
Coding change: c.6851G>C on transcript NM_001267550.2 (MANE Select); coding-DNA position 6851, G replaced by C.
Protein change: p.Gly2284Ala; replaces glycine 2284 with alanine.
Molecular consequence: missense variant.
Genome position (GRCh38, 1-based): chr2:178,774,413, C>G on the plus strand (G>C on the coding strand, the complement: TTN is on the minus strand). VCF-style: chr2-178774413-C-G. GRCh37 (hg19) VCF-style: chr2-179639140-C-G.
Other names: p.G2284A:GGA>GCA; c.6713G>C, p.Gly2238Ala (NM_003319.4, NM_133432.3, NM_133437.4); c.6851G>C, p.Gly2284Ala (NM_133378.4, NM_133379.5, NM_001256850.1); short protein forms G2284A, G2238A.
Identifiers: ClinVar variation 203149 (VCV000203149.3), dbSNP rs751111175, ClinGen allele CA311449.

ClinVar aggregate classification (germline): Conflicting classifications of pathogenicity. Review status: criteria provided, conflicting classifications (1 of 4 stars). 2 submissions from 2 submitters: Uncertain significance (1); Likely benign (1). Last evaluated 2022-12-07.

Allele frequency attached by ClinVar (database versions not stated): gnomAD exomes below 0.00001 and 0.00001; ExAC 0.00002.
gnomAD v4.1: 5 of 1,613,828 alleles (0.00031%); highest among the groups gnomAD compares: Non-Finnish European, 0.00042%; no homozygotes.

Submissions (2):

Blueprint Genetics
Classification: Likely benign. Last evaluated: 2022-12-07. Review status: criteria provided, single submitter. Criteria: ACMG Guidelines, 2015. Collection method: clinical testing. Allele origin: germline.

GeneDx
Classification: Uncertain significance. Last evaluated: 2013-01-31. Review status: criteria provided, single submitter. Criteria: GeneDx Variant Classification (06012015). Collection method: clinical testing. Allele origin: germline. Affected: yes.
Comment: Missense variants in the TTN gene are considered 'unclassified' if they are not previously reported in the literature and do not have >1% frequency in the population to be considered a polymorphism. Research indicates that truncating mutations in the TTN gene are expected to account for approximately 25% of familial and 18% of sporadic idiopathic DCM; however, truncating variants in the TTN gene have been reported in approximately 3% of reported control alleles. There has been little investigation into non-truncating variants. (Herman D et al. Truncations of titin causing dilated cardiomyopathy. N Eng J Med 366:619-628, 2012) The variant is found in DCM panel(s).